The following is an entry in ClinVar:

NM_004655.4(AXIN2):c.942G>T (p.Met314Ile)

Gene: AXIN2 (axin 2; minus strand). Cytogenetic location: 17q24.1.
Variant type: single nucleotide variant.
Coding change: c.942G>T on transcript NM_004655.4 (MANE Select); coding-DNA position 942, G replaced by T.
Protein change: p.Met314Ile; replaces methionine 314 with isoleucine.
Molecular consequence: missense variant.
Genome position (GRCh38, 1-based): chr17:65,549,534, C>A on the plus strand (G>T on the coding strand, the complement: AXIN2 is on the minus strand). VCF-style: chr17-65549534-C-A. GRCh37 (hg19) VCF-style: chr17-63545652-C-A.
Other names: c.942G>T, p.Met314Ile (NM_001363813.1); c.942G>T (LRG_296t1); short protein forms M314I.
Identifiers: ClinVar variation 464649 (VCV000464649.18), dbSNP rs945493883, ClinGen allele CA293103805.
Genomic context (GRCh38, chr17:65,549,534, plus strand): 5'-CATCCACTCCCAAGCAAGCCCACGGAAGGGTGGCCAGGATACTCACACACTGCTGTCCGT[C>A]ATGGACATGGAATCATCCGTCAGCGCATCACTGGATATCTCACTGTCGTTGGCGCTGGTG-3'
Protein context (NP_004646.3, residues 304-324): SDALTDDSMS[Met314Ile]TDSSVDGIPP

ClinVar aggregate classification (germline): Uncertain significance. Review status: criteria provided, multiple submitters, no conflicts (2 of 4 stars). 5 submissions from 5 submitters: Uncertain significance (5). Last evaluated 2026-01-22.

Conditions:
Colorectal cancer. Also called: Malignant Colorectal Neoplasm; Colorectal cancer, somatic. Identifiers: MedGen C0346629, MONDO:0005575, OMIM 114500.
Oligodontia-cancer predisposition syndrome. Also called: TOOTH AGENESIS-COLORECTAL CANCER SYNDROME. Identifiers: Orphanet 300576, MedGen C1837750, MONDO:0012075, OMIM 608615. Disease mechanism: loss of function.
Hereditary cancer-predisposing syndrome. Also called: Neoplastic Syndromes, Hereditary; Tumor predisposition; Hereditary Cancer Syndrome; Hereditary neoplastic syndrome. Identifiers: Orphanet 140162, MedGen C0027672, MeSH D009386, MONDO:0015356.

Allele frequency attached by ClinVar (database versions not stated): TOPMed 0.00003; gnomAD 0.00001; gnomAD exomes 0.00001.
gnomAD v4.1: 5 of 1,612,470 alleles (0.00031%); highest among the groups gnomAD compares: Admixed American, 0.0084%; no homozygotes.

Submissions (5):

Labcorp Genetics (formerly Invitae), Labcorp
Classification: Uncertain significance for Oligodontia-cancer predisposition syndrome. Last evaluated: 2026-01-22. Review status: criteria provided, single submitter. Criteria: Invitae Variant Classification Sherloc (09022015). Collection method: clinical testing. Allele origin: germline.
Comment: This sequence change replaces methionine, which is neutral and non-polar, with isoleucine, which is neutral and non-polar, at codon 314 of the AXIN2 protein (p.Met314Ile). This variant is present in population databases (no rsID available, gnomAD 0.006%). This variant has not been reported in the literature in individuals affected with AXIN2-related conditions. ClinVar contains an entry for this variant (Variation ID: 464649). Invitae Evidence Modeling of protein sequence and biophysical properties (such as structural, functional, and spatial information, amino acid conservation, physicochemical variation, residue mobility, and thermodynamic stability) indicates that this missense variant is not expected to disrupt AXIN2 protein function with a negative predictive value of 80%. In summary, the available evidence is currently insufficient to determine the role of this variant in disease. Therefore, it has been classified as a Variant of Uncertain Significance.

Ambry Genetics
Classification: Uncertain significance for Hereditary cancer-predisposing syndrome. Last evaluated: 2024-05-06. Review status: criteria provided, single submitter. Criteria: Ambry Variant Classification Scheme 2023. Collection method: clinical testing. Allele origin: germline.
Comment: The p.M314I variant (also known as c.942G>T), located in coding exon 2 of the AXIN2 gene, results from a G to T substitution at nucleotide position 942. The methionine at codon 314 is replaced by isoleucine, an amino acid with highly similar properties. This amino acid position is well conserved in available vertebrate species. In addition, the in silico prediction for this alteration is inconclusive. Since supporting evidence is limited at this time, the clinical significance of this alteration remains unclear.

Baylor Genetics
Classification: Uncertain significance for Colorectal cancer. Last evaluated: 2023-08-28. Review status: criteria provided, single submitter. Criteria: ACMG Guidelines, 2015. Collection method: clinical testing. Allele origin: unknown.

Quest Diagnostics Nichols Institute San Juan Capistrano
Classification: Uncertain significance. Last evaluated: 2023-02-16. Review status: criteria provided, single submitter. Criteria: Quest Diagnostics criteria. Collection method: clinical testing. Allele origin: unknown.
Comment: To the best of our knowledge, has not been reported in the published literature. The frequency of this variant in the general population, 0.000087 (3/34304 chromosomes), is uninformative in assessment of its pathogenicity. Analysis of this variant using bioinformatics tools for the prediction of the effect of amino acid changes on protein structure and function yielded predictions that this variant is benign. Based on the available information, we are unable to determine the clinical significance of this variant.

GeneDx
Classification: Uncertain significance. Last evaluated: 2019-07-02. Review status: criteria provided, single submitter. Criteria: GeneDx Variant Classification Process June 2021. Collection method: clinical testing. Allele origin: germline. Affected: yes.
Comment: Not observed at a significant frequency in large population cohorts (Lek 2016); In silico analysis, which includes protein predictors and evolutionary conservation, supports that this variant does not alter protein structure/function; Has not been previously published as pathogenic or benign to our knowledge